The following is an entry in ClinVar:

NM_003640.5(ELP1):c.3834C>A (p.Tyr1278Ter)

Gene: ELP1 (elongator acetyltransferase complex subunit 1; minus strand). Cytogenetic location: 9q31.3.
Variant type: single nucleotide variant.
Coding change: c.3834C>A on transcript NM_003640.5 (MANE Select); coding-DNA position 3834, C replaced by A.
Protein change: p.Tyr1278Ter; replaces tyrosine 1278 with a stop codon.
Molecular consequence: nonsense.
Genome position (GRCh38, 1-based): chr9:108,878,016, G>T on the plus strand (C>A on the coding strand, the complement: ELP1 is on the minus strand). VCF-style: chr9-108878016-G-T. GRCh37 (hg19) VCF-style: chr9-111640296-G-T.
Other names: c.3492C>A, p.Tyr1164Ter (NM_001318360.2); c.2787C>A, p.Tyr929Ter (NM_001330749.2); short protein forms Y1164*, Y1278*, Y929*.
Identifiers: ClinVar variation 4815238 (VCV004815238.2).

ClinVar aggregate classification (germline): Pathogenic/Likely pathogenic. Review status: criteria provided, multiple submitters, no conflicts (2 of 4 stars). 2 submissions from 2 submitters: Pathogenic (1); Likely pathogenic (1). Last evaluated 2025-09-15.

Conditions:
Familial dysautonomia. Also called: FD; HSAN III. Identifiers: Orphanet 1764, MedGen C0013364, MONDO:0009131, OMIM 223900. Disease mechanism: loss of function.

gnomAD v4.1: 5 of 1,614,188 alleles (0.00031%); highest among the groups gnomAD compares: Non-Finnish European, 0.00042%; no homozygotes.

Submissions (2):

Natera, Inc.
Classification: Likely pathogenic for Familial dysautonomia. Last evaluated: 2025-09-15. Review status: criteria provided, single submitter. Criteria: Natera Variant Classification Schema (03/2026). Collection method: clinical testing. Allele origin: germline.
Comment: The c.3834C>A variant in ELP1 is a nonsense variant predicted to introduce a stop codon at amino acid 1278. This variant is expected to result in nonsense mediated decay, truncation, or a dysfunctional protein product. This variant is rare in the general population with a frequency below the threshold expected for the associated phenotype(s). Given the available evidence, this variant is classified as Likely Pathogenic.

Myriad Genetics, Inc.
Classification: Pathogenic for Familial dysautonomia. Last evaluated: 2025-05-21. Review status: criteria provided, single submitter. Criteria: Myriad Autosomal Dominant, Autosomal Recessive and X-Linked Classification Criteria (2023). Collection method: clinical testing. Allele origin: unknown.
Comment: NM_003640.3(ELP1):c.3834C>A(Y1278*) is expected to be pathogenic in the context of familial dysautonomia. This variant is predicted to lead to an abnormal or absent protein product due to the creation of a premature termination codon in ELP1, a gene where loss-of-function variants are known to be pathogenic. Please note: this variant was assessed in the context of healthy population screening.